The following is an entry in ClinVar:

ClinVar aggregate classification (germline): Uncertain significance (1 of 4 stars; one submission).

Submission:

Labcorp Genetics (formerly Invitae), Labcorp
Classification: Uncertain significance. Last evaluated: 2025-02-17. Review status: criteria provided, single submitter. Criteria: Invitae Variant Classification Sherloc (09022015). Collection method: clinical testing. Allele origin: germline.
Comment: This sequence change replaces valine, which is neutral and non-polar, with leucine, which is neutral and non-polar, at codon 315 of the ALPL protein (p.Val315Leu). This variant is not present in population databases (gnomAD no frequency). This variant has not been reported in the literature in individuals affected with ALPL-related conditions. ClinVar contains an entry for this variant (Variation ID: 2158323). Invitae Evidence Modeling of protein sequence and biophysical properties (such as structural, functional, and spatial information, amino acid conservation, physicochemical variation, residue mobility, and thermodynamic stability) has been performed for this missense variant. However, the output from this modeling did not meet the statistical confidence thresholds required to predict the impact of this variant on ALPL protein function. In summary, the available evidence is currently insufficient to determine the role of this variant in disease. Therefore, it has been classified as a Variant of Uncertain Significance.

NM_000478.6(ALPL):c.943G>T (p.Val315Leu)

Gene: ALPL (alkaline phosphatase, biomineralization associated; plus strand). Cytogenetic location: 1p36.12.
Variant type: single nucleotide variant.
Coding change: c.943G>T on transcript NM_000478.6 (MANE Select); coding-DNA position 943, G replaced by T.
Protein change: p.Val315Leu; replaces valine 315 with leucine.
Molecular consequence: missense variant.
Genome position (GRCh38, 1-based): chr1:21,573,745, G>T. VCF-style: chr1-21573745-G-T. GRCh37 (hg19) VCF-style: chr1-21900238-G-T.
Other names: c.778G>T, p.Val260Leu (NM_001127501.4); c.712G>T, p.Val238Leu (NM_001177520.3); c.943G>T, p.Val315Leu (NM_001369803.2, NM_001369804.2, NM_001369805.2); short protein forms V260L, V315L, V238L.
Identifiers: ClinVar variation 2158323 (VCV002158323.2), dbSNP rs2545334822, ClinGen allele CA338880333.
Genomic context (GRCh38, chr1:21,573,745, plus strand): 5'-ATGCAGTACGAGCTGAACAGGAACAACGTGACGGACCCGTCACTCTCCGAGATGGTGGTG[G>T]TGGCCATCCAGATCCTGCGGAAGAACCCCAAAGGCTTCTTCTTGCTGGTGGAAGGTAGGG-3'
Protein context (NP_000469.3, residues 305-325): TDPSLSEMVV[Val315Leu]AIQILRKNPK